The following is an entry in ClinVar:

NC_000008.10:g.(?_15601027)_(15621747_?)dup

Gene: TUSC3 (tumor suppressor candidate 3; plus strand). Cytogenetic location: 8p22.
Variant type: Duplication.
Identifiers: ClinVar variation 660691 (VCV000660691.1).

ClinVar aggregate classification (germline): Uncertain significance (1 of 4 stars; one submission).

Conditions:
Intellectual developmental disorder, autosomal recessive 7. Also called: Intellectual disability, autosomal recessive 7. Identifiers: Orphanet 88616, MedGen C1970197, MONDO:0012615, OMIM 611093.

Submission:

Labcorp Genetics (formerly Invitae), Labcorp
Classification: Uncertain significance for Mental retardation, autosomal recessive 7. Last evaluated: 2018-11-09. Review status: criteria provided, single submitter. Criteria: Invitae Variant Classification Sherloc (09022015). Collection method: clinical testing. Allele origin: germline.
Comment: This variant results in a copy number gain of the genomic region encompassing exons 8-11 of the TUSC3 gene. The 5' boundary is likely confined to intron 7. The 3' end of this event is unknown as it extends beyond the assayed region for this gene and therefore may encompass additional genes. As the precise location of this event is unknown, it may be in tandem or it may be located elsewhere in the genome. This variant has not been reported in the literature in individuals with TUSC3-related disease. In summary, the available evidence is currently insufficient to determine the role of this variant in disease. Therefore, it has been classified as a Variant of Uncertain Significance.